The following is an entry in ClinVar:

ClinVar aggregate classification (germline): Uncertain significance (0 of 4 stars; one submission).

Conditions:
SMPD1-related disorder. Also called: SMPD1-related condition.

Submission:

PreventionGenetics, part of Exact Sciences
Classification: Uncertain significance for SMPD1-related condition. Last evaluated: 2024-08-26. Review status: no assertion criteria provided. Collection method: clinical testing. Allele origin: germline.
Comment: The SMPD1 c.116_140delinsCGGC variant is predicted to result in an in-frame deletion and insertion. To our knowledge, this variant has not been reported in the literature or in a large population database, indicating this variant is rare. At this time, the clinical significance of this variant is uncertain due to the absence of conclusive functional and genetic evidence.

NM_000543.5(SMPD1):c.116_140delinsCGGC (p.Leu39_Leu47delinsProAla)

Gene: SMPD1 (sphingomyelin phosphodiesterase 1; plus strand). Cytogenetic location: 11p15.4.
Variant type: Indel.
Coding change: c.116_140delinsCGGC on transcript NM_000543.5 (MANE Select); coding-DNA positions 116 to 140, TGGCGCTGGCGCTGGCGCTGGCGCT replaced by CGGC.
Protein change: p.Leu39_Leu47delinsProAla.
Molecular consequence: inframe indel. On other transcripts: 5 prime UTR variant (1), non-coding transcript variant (2).
Genome position (GRCh38, 1-based): chr11:6,390,714-6,390,738, TGGCGCTGGCGCTGGCGCTGGCGCT replaced by CGGC. VCF-style: chr11-6390714-TGGCGCTGGCGCTGGCGCTGGCGCT-CGGC. GRCh37 (hg19) VCF-style: chr11-6411944-TGGCGCTGGCGCTGGCGCTGGCGCT-CGGC.
Other names: c.116_140delinsCGGC, p.Leu39_Leu47delinsProAla (NM_001007593.3, NM_001318087.2, NM_001365135.2); c.-846_-822delinsCGGC (NM_001318088.2).
Identifiers: ClinVar variation 3347783 (VCV003347783.1).